The following is an entry in ClinVar:

NM_030973.4(MED25):c.1682G>T (p.Gly561Val)

Gene: MED25 (mediator complex subunit 25; plus strand). Cytogenetic location: 19q13.33.
Variant type: single nucleotide variant.
Coding change: c.1682G>T on transcript NM_030973.4 (MANE Select); coding-DNA position 1682, G replaced by T.
Protein change: p.Gly561Val; replaces glycine 561 with valine.
Molecular consequence: missense variant.
Genome position (GRCh38, 1-based): chr19:49,835,541, G>T. VCF-style: chr19-49835541-G-T. GRCh37 (hg19) VCF-style: chr19-50338798-G-T.
Other names: c.1682G>T, p.Gly561Val (NM_001378355.1); short protein forms G561V.
Identifiers: ClinVar variation 1472443 (VCV001472443.3), dbSNP rs1474701596, ClinGen allele CA406919407.

ClinVar aggregate classification (germline): Uncertain significance (1 of 4 stars; one submission).

Conditions:
Charcot-Marie-Tooth disease type 2. Also called: Charcot-Marie-Tooth type 2. Identifiers: Orphanet 64746, MedGen C0270914, MONDO:0018993.

gnomAD v4.1: 2 of 1,560,292 alleles (0.00013%); highest among the groups gnomAD compares: South Asian, 0.0012%; no homozygotes.

Submission:

Labcorp Genetics (formerly Invitae), Labcorp
Classification: Uncertain significance for Charcot-Marie-Tooth disease type 2. Last evaluated: 2022-06-10. Review status: criteria provided, single submitter. Criteria: Invitae Variant Classification Sherloc (09022015). Collection method: clinical testing. Allele origin: germline.
Comment: This sequence change replaces glycine, which is neutral and non-polar, with valine, which is neutral and non-polar, at codon 561 of the MED25 protein (p.Gly561Val). The frequency data for this variant in the population databases is considered unreliable, as metrics indicate poor data quality at this position in the gnomAD database. This variant has not been reported in the literature in individuals affected with MED25-related conditions. Algorithms developed to predict the effect of missense changes on protein structure and function are either unavailable or do not agree on the potential impact of this missense change (SIFT: "Deleterious"; PolyPhen-2: "Benign"; Align-GVGD: "Class C0"). Algorithms developed to predict the effect of sequence changes on RNA splicing suggest that this variant may create or strengthen a splice site. In summary, the available evidence is currently insufficient to determine the role of this variant in disease. Therefore, it has been classified as a Variant of Uncertain Significance.